The following is an entry in ClinVar:

ClinVar aggregate classification (germline): Uncertain significance (1 of 4 stars; one submission).

Allele frequency attached by ClinVar (database versions not stated): ExAC 0.00001; gnomAD 0.00001; gnomAD exomes 0.00001 and 0.00002.
gnomAD v4.1: 28 of 1,613,470 alleles (0.0017%); highest among the groups gnomAD compares: Non-Finnish European, 0.0023%; no homozygotes.

Submission:

Labcorp Genetics (formerly Invitae), Labcorp
Classification: Uncertain significance. Last evaluated: 2023-03-10. Review status: criteria provided, single submitter. Criteria: Invitae Variant Classification Sherloc (09022015). Collection method: clinical testing. Allele origin: germline.
Comment: In summary, the available evidence is currently insufficient to determine the role of this variant in disease. Therefore, it has been classified as a Variant of Uncertain Significance. Algorithms developed to predict the effect of sequence changes on RNA splicing suggest that this variant may disrupt the consensus splice site. An algorithm developed to predict the effect of missense changes on protein structure and function (PolyPhen-2) suggests that this variant is likely to be tolerated. ClinVar contains an entry for this variant (Variation ID: 1008284). This variant has not been reported in the literature in individuals affected with ADGRA3-related conditions. This variant is present in population databases (rs759273052, gnomAD 0.002%). This sequence change replaces alanine, which is neutral and non-polar, with serine, which is neutral and polar, at codon 541 of the ADGRA3 protein (p.Ala541Ser).

NM_145290.4(ADGRA3):c.1621G>T (p.Ala541Ser)

Gene: ADGRA3 (adhesion G protein-coupled receptor A3; minus strand). Cytogenetic location: 4p15.2.
Variant type: single nucleotide variant.
Coding change: c.1621G>T on transcript NM_145290.4 (MANE Select); coding-DNA position 1621, G replaced by T.
Protein change: p.Ala541Ser; replaces alanine 541 with serine.
Molecular consequence: missense variant.
Genome position (GRCh38, 1-based): chr4:22,421,074, C>A on the plus strand (G>T on the coding strand, the complement: ADGRA3 is on the minus strand). VCF-style: chr4-22421074-C-A. GRCh37 (hg19) VCF-style: chr4-22422697-C-A.
Other names: short protein forms A541S.
Identifiers: ClinVar variation 1008284 (VCV001008284.8), dbSNP rs759273052, ClinGen allele CA2873889.